The following continues an entry in ClinVar:

NM_000363.5(TNNI3):c.485G>A (p.Arg162Gln)

Gene: TNNI3. ClinVar aggregate classification (germline): Likely pathogenic. Likely pathogenic (1).

Submissions 7 to 17 of 31:

Mayo Clinic Laboratories, Mayo Clinic
Classification: Pathogenic. Last evaluated: 2025-02-06. Review status: criteria provided, single submitter. Criteria: ACMG Guidelines, 2015. Collection method: clinical testing. Allele origin: germline. Observed: 1 variant allele. Not counted in ClinVar's aggregate classification.
Comment: PP1, PM1, PM5, PS3_supporting, PS4_moderate

Ambry Genetics
Classification: Likely pathogenic for Cardiovascular phenotype. Last evaluated: 2025-01-07. Review status: criteria provided, single submitter. Criteria: Ambry Variant Classification Scheme 2023. Collection method: clinical testing. Allele origin: germline. Not counted in ClinVar's aggregate classification.
Comment: The c.485G>A (p.R162Q) alteration is located in exon 7 (coding exon 7) of the TNNI3 gene. This alteration results from a G to A substitution at nucleotide position 485, causing the arginine (R) at amino acid position 162 to be replaced by a glutamine (Q). for autosomal dominant TNNI3-related cardiomyopathy; however, its clinical significance for autosomal recessive TNNI3-related dilated cardiomyopathy is uncertain. Based on data from gnomAD, the A allele has an overall frequency of 0.004% (10/249030) total alleles studied. The highest observed frequency was 0.007% (2/30602) of South Asian alleles. This variant was reported in individual(s) with features consistent with autosomal dominant hypertrophic cardiomyopathy (HCM) and segregated with disease in at least one family; however, several unaffected relatives carried the variant, suggesting incomplete penetrance (Van Driest, 2003; Mogensen, 2004; Ingles, 2005; Doolan, 2005; Gruner, 2011; Rani, 2012; Coppini, 2014; Lopes, 2015; Mouton, 2015; Walsh, 2017). This amino acid position is not well conserved in available vertebrate species. The in silico prediction for this alteration is inconclusive. Based on the available evidence, this alteration is classified as likely pathogenic.

Blueprint Genetics
Classification: Pathogenic for TNNI3-related disorders. Last evaluated: 2024-10-25. Review status: criteria provided, single submitter. Criteria: ACMG Guidelines, 2015. Collection method: clinical testing. Allele origin: germline. Affected: yes. Observed: 5 variant alleles. Not counted in ClinVar's aggregate classification.

All of Us Research Program, National Institutes of Health
Classification: Likely pathogenic for Hypertrophic cardiomyopathy. Last evaluated: 2024-09-12. Review status: criteria provided, single submitter. Criteria: ACMG Guidelines, 2015. Collection method: clinical testing. Allele origin: germline. Inheritance: Autosomal dominant inheritance. Observed: 6 variant alleles, 6 heterozygotes. Not counted in ClinVar's aggregate classification.
Comment: This missense variant replaces arginine with glutamine at codon 162 of the TNNI3 protein. Computational prediction suggests that this variant may not impact protein structure and function (internally defined REVEL score threshold <= 0.5, PMID: 27666373). A functional study has shown that this variant disrupts interactions with troponin C and T (PMID: 15698845). However, clinical relevance of this observation is not known. This variant has been reported in over ten unrelated individuals affected with hypertrophic cardiomyopathy (PMID: 12860912, 15607392, 15698845, 15992656, 16352453, 25940119, 31877599, 33029862, 3349559, Yang et al 2018). This variant has been shown to segregate with hypertrophic cardiomyopathy in a family study (PMID: 22876777). This variant has also been reported in the homozygous state in an individual affected with severe, early-onset hypertrophic cardiomyopathy (PMID: 31877599). The proband's four relatives were asymptomatic heterozygous carriers. This variant has been identified in 10/249030 chromosomes in the general population by the Genome Aggregation Database (gnomAD). Different missense variants occurring at the same codon, p.Arg162Pro and p.Arg162Trp, are known to cause disease (Clinvar variation ID: 43390, 161396), indicating that arginine at this position is important for the protein function. Based on the available evidence, this variant is classified as Likely Pathogenic.

This study involves interpretation of variants in research participants for the purpose of population health screening. Participant phenotype was not available at the time of variant classification. Additional details can be found in publication PMID: 35346344, PMCID: PMC8962531

Genomic Medicine Center of Excellence, King Faisal Specialist Hospital and Research Centre
Classification: Likely pathogenic for Hypertrophic cardiomyopathy 7. Last evaluated: 2024-04-04. Review status: criteria provided, single submitter. Criteria: ACMG Guidelines, 2015. Collection method: clinical testing. Allele origin: germline. Not counted in ClinVar's aggregate classification.

CeGaT Center for Human Genetics Tuebingen
Classification: Pathogenic. Last evaluated: 2023-09-01. Review status: criteria provided, single submitter. Criteria: CeGaT Center For Human Genetics Tuebingen Variant Classification Criteria Version 2. Collection method: clinical testing. Allele origin: germline. Affected: yes. Observed: 1 variant allele. Not counted in ClinVar's aggregate classification.
Comment: TNNI3: PP1:Strong, PM2, PM5, PS4:Moderate, PS3:Supporting, BP4

Women's Health and Genetics/Laboratory Corporation of America, LabCorp
Classification: Pathogenic for Primary familial hypertrophic cardiomyopathy. Last evaluated: 2023-05-22. Review status: criteria provided, single submitter. Criteria: LabCorp Variant Classification Summary - May 2015. Collection method: clinical testing. Allele origin: germline. Not counted in ClinVar's aggregate classification.
Comment: Variant summary: TNNI3 c.485G>A (p.Arg162Gln) results in a conservative amino acid change in the encoded protein sequence. Four of five in-silico tools predict a benign effect of the variant on protein function. The variant allele was found at a frequency of 4e-05 in 249030 control chromosomes (gnomAD). This frequency is not significantly higher than estimated for a pathogenic variant in TNNI3 causing Hypertrophic Cardiomyopathy (4e-05 vs 0.00013), allowing no conclusion about variant significance. c.485G>A has been reported in the literature in multiple individuals affected with Hypertrophic Cardiomyopathy (examples: Bos_2006, Cheng_2005, Doolan_2005,Mogensen_2004, VanDriest_2003). These data indicate that the variant is very likely to be associated with disease. The following publications have been ascertained in the context of this evaluation (PMID: 15698845, 15607392, 12860912, 15992656, 16352453). Thirteen clinical diagnostic laboratories have submitted clinical-significance assessments for this variant to ClinVar after 2014 and all classified the variant as pathogenic/likely pathogenic. Based on the evidence outlined above, the variant was classified as pathogenic.

Clinical Genetics Laboratory, Skane University Hospital Lund
Classification: Likely pathogenic. Last evaluated: 2022-11-21. Review status: criteria provided, single submitter. Criteria: ACMG Guidelines, 2015. Collection method: clinical testing. Allele origin: germline. Affected: yes. Not counted in ClinVar's aggregate classification.

GeneDx
Classification: Pathogenic. Last evaluated: 2022-07-27. Review status: criteria provided, single submitter. Criteria: GeneDx Variant Classification Process June 2021. Collection method: clinical testing. Allele origin: germline. Affected: yes. Not counted in ClinVar's aggregate classification.
Comment: Reported in multiple unrelated patients with HCM (Van Driest et al., 2003; Mogensen et al., 2004; Doolan et al., 2005; Ingles et al., 2005; Rani et al., 2012; Coppini et al., 2014; Kapplinger et al., 2014; Mouton et al., 2015; Restrepo-Cordoba et al., 2017); Not observed at significant frequency in large population cohorts (gnomAD); Published in vitro functional studies using HEK293 cells showed that the R162Q variant results in a 50% reduction of the troponin I and troponin C interaction (Doolan et al., 2005); In silico analysis supports that this missense variant does not alter protein structure/function; This variant is associated with the following publications: (PMID: 16020591, 9241277, 23967088, 25524337, 25940119, 21310275, 16199542, 22876777, 16352453, 15992656, 23396983, 25351510, 12707239, 24510615, 18227814, 27600940, 12860912, 27532257, 28138913, 15607392, 31006259, 23270746, 21511876, 10806205, 11735257, 31877599, 25228707, 24113344, 31447099, 24704860, 34426522, 32731933, 32686758, 31534214, 33087929, 15698845, 28790153, 28771489, 28166811, 29907799, 27840609, 33673806)

Victorian Clinical Genetics Services, Murdoch Childrens Research Institute
Classification: Likely pathogenic for Hypertrophic cardiomyopathy 7. Last evaluated: 2022-06-24. Review status: criteria provided, single submitter. Criteria: ACMG Guidelines, 2015. Collection method: clinical testing. Allele origin: germline. Affected: yes. Not counted in ClinVar's aggregate classification.
Comment: Based on the classification scheme VCGS_Germline_v1.3.4, this variant is classified as Likely pathogenic. Following criteria are met: 0103 - Gain of function and loss of function are reported mechanisms of disease in this gene. The former is associated with familial restrictive cardiomyopathy 1 (MIM#115210) and hypertrophic cardiomyopathy 7 (MIM#613690), while the latter is associated with dilated cardiomyopathy 1FF (MIM#613286) (PMID: 19914256, PMID:21533915). (I) 0108 - This gene is associated with both recessive and dominant disease. The recessive form of inheritance is the exception and has only been reported in a small number of families (PMID: 15070570, PMID:23270746). (I) 0112 - The condition associated with this gene has incomplete penetrance (PMID: 15607392). (I) 0115 - Variants in this gene are known to have variable expressivity (PMID: 23270746). (I) 0200 - Variant is predicted to result in a missense amino acid change from arginine to glutamine. (I) 0251 - This variant is heterozygous. (I) 0302 - Variant is present in gnomAD (v2) <0.001 for a dominant condition (10 heterozygotes, 0 homozygotes). (SP) 0309 - An alternative amino acid change at the same position has been observed in gnomAD (v2) (10 heterozygotes, 0 homozygotes). (I) 0502 - Missense variant with conflicting in silico predictions and uninformative conservation. (I) 0600 - Variant is located in the annotated troponin domain (PDB). (I) 0705 - No comparable missense variants have previous evidence for pathogenicity. Multiple alternative amino acid changes have been reported at amino acid position 162, however, they are all major amino acid changes and are not comparable to p.(Arg162Gln) which is a minor change. (I) 0801 - This variant has strong previous evidence of pathogenicity in unrelated individuals. This variant has been reported in at least 20 HCM probands (ClinVar, PMID: 27532257, PMID: 28615295, PMID 15607392, VCGS). 0903 - This variant has limited evidence for segregation with disease. This variant has shown incomplete penetrance in multiple HCM families (PMID: 15607392, PMID: 28615295). (SP) 1208 - Inheritance information for this variant is not currently available in this individual. (I) Legend: (SP) - Supporting pathogenic, (I) - Information, (SB) - Supporting benign

CHEO Genetics Diagnostic Laboratory, Children's Hospital of Eastern Ontario
Classification: Pathogenic for Cardiomyopathy. Last evaluated: 2022-05-16. Review status: criteria provided, single submitter. Criteria: ACMG Guidelines, 2015. Collection method: clinical testing. Allele origin: germline. Not counted in ClinVar's aggregate classification.